The following is an entry in ClinVar:

NM_170601.5(SIAE):c.1325C>T (p.Ser442Phe)

Gene: SIAE (sialic acid acetylesterase; minus strand). Cytogenetic location: 11q24.2.
Variant type: single nucleotide variant.
Coding change: c.1325C>T on transcript NM_170601.5 (MANE Select); coding-DNA position 1325, C replaced by T.
Protein change: p.Ser442Phe; replaces serine 442 with phenylalanine.
Molecular consequence: missense variant.
Genome position (GRCh38, 1-based): chr11:124,637,198, G>A on the plus strand (C>T on the coding strand, the complement: SIAE is on the minus strand). VCF-style: chr11-124637198-G-A. GRCh37 (hg19) VCF-style: chr11-124507094-G-A.
Other names: c.1220C>T, p.Ser407Phe (NM_001199922.2); short protein forms S407F, S442F.
Identifiers: ClinVar variation 2880427 (VCV002880427.3), dbSNP rs919369105, ClinGen allele CA230383429.

ClinVar aggregate classification (germline): Uncertain significance (1 of 4 stars; one submission).

Submission:

Labcorp Genetics (formerly Invitae), Labcorp
Classification: Uncertain significance. Last evaluated: 2023-12-31. Review status: criteria provided, single submitter. Criteria: Invitae Variant Classification Sherloc (09022015). Collection method: clinical testing. Allele origin: germline.
Comment: This sequence change replaces serine, which is neutral and polar, with phenylalanine, which is neutral and non-polar, at codon 442 of the SIAE protein (p.Ser442Phe). This variant is not present in population databases (gnomAD no frequency). This variant has not been reported in the literature in individuals affected with SIAE-related conditions. An algorithm developed to predict the effect of missense changes on protein structure and function (PolyPhen-2) suggests that this variant is likely to be tolerated. In summary, the available evidence is currently insufficient to determine the role of this variant in disease. Therefore, it has been classified as a Variant of Uncertain Significance.